The following is an entry in ClinVar:

NM_000179.3(MSH6):c.3410_3418del (p.Met1137_Gly1139del)

Gene: MSH6 (mutS homolog 6; plus strand). Cytogenetic location: 2p16.3.
Variant type: Deletion.
Coding change: c.3410_3418del on transcript NM_000179.3 (MANE Select); coding-DNA positions 3410 to 3418, 9 bases deleted (TGGGGGGCA; older notation c.3410_3418delTGGGGGGCA).
Protein change: p.Met1137_Gly1139del.
Molecular consequence: inframe deletion.
Genome position (GRCh38, 1-based): chr2:47,803,657-47,803,665, TGGGGGGCA deleted; deleting any 9 consecutive bases within chr2:47,803,656-47,803,665 gives the same sequence; the c. name uses the placement nearest the transcript's 3' end. VCF-style (leftmost placement, unchanged base first): chr2-47803655-TATGGGGGGC-T. GRCh37 (hg19) VCF-style: chr2-48030794-TATGGGGGGC-T.
Other names: c.3020_3028del, p.Met1007_Gly1009del (NM_001281492.2); c.2504_2512del, p.Met835_Gly837del (NM_001281493.2, NM_001281494.2); c.3410_3418delTGGGGGGCA (NM_000179.2).
Identifiers: ClinVar variation 455257 (VCV000455257.10), dbSNP rs1553331738, ClinGen allele CA658655700.

ClinVar aggregate classification (germline): Uncertain significance (1 of 4 stars; one submission).

Conditions:
Hereditary nonpolyposis colorectal neoplasms. Identifiers: MedGen C0009405, MeSH D003123.

Submission:

Labcorp Genetics (formerly Invitae), Labcorp
Classification: Uncertain significance for Hereditary nonpolyposis colorectal neoplasms. Last evaluated: 2022-02-20. Review status: criteria provided, single submitter. Criteria: Invitae Variant Classification Sherloc (09022015). Collection method: clinical testing. Allele origin: germline.
Comment: This variant, c.3410_3418del, results in the deletion of 3 amino acid(s) of the MSH6 protein (p.Met1137_Gly1139del), but otherwise preserves the integrity of the reading frame. In summary, the available evidence is currently insufficient to determine the role of this variant in disease. Therefore, it has been classified as a Variant of Uncertain Significance. Experimental studies and prediction algorithms are not available or were not evaluated, and the functional significance of this variant is currently unknown. ClinVar contains an entry for this variant (Variation ID: 455257). This variant has not been reported in the literature in individuals affected with MSH6-related conditions. This variant is not present in population databases (gnomAD no frequency).